The following is an entry in ClinVar:

ClinVar aggregate classification (germline): Likely benign. Review status: criteria provided, single submitter (1 of 4 stars). 2 submissions from 2 submitters: Likely benign (1). 1 of the submissions does not count toward it. Last evaluated 2019-12-27.

Conditions:
POLE-related disorder. Also called: POLE-related condition; POLE-related disorders.

Submissions (2):

Labcorp Genetics (formerly Invitae), Labcorp
Classification: Likely benign. Last evaluated: 2019-12-27. Review status: criteria provided, single submitter. Criteria: Invitae Variant Classification Sherloc (09022015). Collection method: clinical testing. Allele origin: germline.

PreventionGenetics, part of Exact Sciences
Classification: Likely benign for POLE-related condition. Last evaluated: 2023-10-09. Review status: no assertion criteria provided. Collection method: clinical testing. Allele origin: germline. Not counted in ClinVar's aggregate classification.
Comment: This variant is classified as likely benign based on ACMG/AMP sequence variant interpretation guidelines (Richards et al. 2015 PMID: 25741868, with internal and published modifications).

NM_006231.4(POLE):c.720+10G>C

Gene: POLE (DNA polymerase epsilon, catalytic subunit; minus strand). Cytogenetic location: 12q24.33.
Variant type: single nucleotide variant.
Coding change: c.720+10G>C on transcript NM_006231.4 (MANE Select); 10 bases into the intron after coding-DNA position 720, G replaced by C.
Molecular consequence: intron variant.
Genome position (GRCh38, 1-based): chr12:132,677,568, C>G on the plus strand (G>C on the coding strand, the complement: POLE is on the minus strand). VCF-style: chr12-132677568-C-G. GRCh37 (hg19) VCF-style: chr12-133254154-C-G.
Other names: c.720+10G>C (NM_006231.3).
Identifiers: ClinVar variation 1089611 (VCV001089611.11), dbSNP rs2136019805, ClinGen allele CA2499221556.
Genomic context (GRCh38, chr12:132,677,568, plus strand): 5'-CACCCATAATGATCATCTCCTGGCTGTTAGGAAATTCATGTGAGCAGCGACCCAACCCTG[C>G]CCCACTCACCACGTGGATCTTCAGGTCAATGGAGAGGCGGATGTGGTAGGGAACATCGTA-3'